The following is an entry in ClinVar:

ClinVar aggregate classification (germline): Conflicting classifications of pathogenicity. Review status: criteria provided, conflicting classifications (1 of 4 stars). 2 submissions from 2 submitters: Uncertain significance (1); Likely benign (1). Last evaluated 2025-01-02.

Conditions:
Inborn genetic diseases. Identifiers: MedGen C0950123, MeSH D030342.
Familial hemophagocytic lymphohistiocytosis 5. Also called: STXBP2-Related Familial Hemophagocytic Lymphohistiocytosis (STXBP2-fHLH). Identifiers: Orphanet 540, MedGen C2751293, MONDO:0013135, OMIM 613101.

Allele frequency attached by ClinVar (database versions not stated): gnomAD exomes below 0.00001 and 0.00001; TOPMed below 0.00001; ExAC 0.00001; gnomAD 0.00001.

Submissions (2):

Ambry Genetics
Classification: Likely benign for Inborn genetic diseases. Last evaluated: 2025-01-02. Review status: criteria provided, single submitter. Criteria: Ambry Variant Classification Scheme 2023. Collection method: clinical testing. Allele origin: germline.

Labcorp Genetics (formerly Invitae), Labcorp
Classification: Uncertain significance for Familial hemophagocytic lymphohistiocytosis 5. Last evaluated: 2020-08-02. Review status: criteria provided, single submitter. Criteria: Invitae Variant Classification Sherloc (09022015). Collection method: clinical testing. Allele origin: germline.
Comment: In summary, the available evidence is currently insufficient to determine the role of this variant in disease. Therefore, it has been classified as a Variant of Uncertain Significance. Algorithms developed to predict the effect of missense changes on protein structure and function output the following: SIFT: "Tolerated"; PolyPhen-2: "Benign"; Align-GVGD: "Class C0". The arginine amino acid residue is found in multiple mammalian species, suggesting that this missense change does not adversely affect protein function. These predictions have not been confirmed by published functional studies and their clinical significance is uncertain. This variant has not been reported in the literature in individuals with STXBP2-related conditions. This variant is present in population databases (rs764476944, ExAC 0.002%). This sequence change replaces histidine with arginine at codon 356 of the STXBP2 protein (p.His356Arg). The histidine residue is moderately conserved and there is a small physicochemical difference between histidine and arginine.

NM_006949.4(STXBP2):c.1067A>G (p.His356Arg)

Gene: STXBP2 (syntaxin binding protein 2; plus strand). Cytogenetic location: 19p13.2.
Variant type: single nucleotide variant.
Coding change: c.1067A>G on transcript NM_006949.4 (MANE Select); coding-DNA position 1067, A replaced by G.
Protein change: p.His356Arg; replaces histidine 356 with arginine.
Molecular consequence: missense variant.
Genome position (GRCh38, 1-based): chr19:7,643,205, A>G. VCF-style: chr19-7643205-A-G. GRCh37 (hg19) VCF-style: chr19-7708091-A-G.
Other names: c.1058A>G, p.His353Arg (NM_001127396.3); c.1100A>G, p.His367Arg (NM_001272034.2); c.1067A>G (NM_006949.2); short protein forms H356R, H353R, H367R.
Identifiers: ClinVar variation 1041696 (VCV001041696.10), dbSNP rs764476944, ClinGen allele CA9143957.